The following is an entry in ClinVar:

ClinVar aggregate classification (germline): Uncertain significance (1 of 4 stars; one submission).

Conditions:
Cardiomyopathy (CMYO). Also called: Cardiomyopathies. Identifiers: Orphanet 167848, MedGen C0878544, MONDO:0004994, HP:0001638. Inheritance: Various modes of inheritance.

Submission:

Color Diagnostics, LLC DBA Color Health
Classification: Uncertain significance for Cardiomyopathy. Last evaluated: 2022-02-14. Review status: criteria provided, single submitter. Criteria: ACMG Guidelines, 2015. Collection method: clinical testing. Allele origin: germline.
Comment: This variant deletes 1 nucleotide in exon 30 of the MYH7 gene, creating a frameshift and premature translation stop signal. This variant is expected to result in an absent or non-functional protein product. To our knowledge, this variant has not been reported in individuals affected with cardiovascular disorders in the literature. This variant has not been identified in the general population by the Genome Aggregation Database (gnomAD). Clinical relevance of loss-of-function MYH7 truncation variants in autosomal dominant cardiovascular disorders is not clearly established. The available evidence is insufficient to determine the role of this variant in autosomal dominant cardiovascular disorders conclusively. Therefore, this variant is classified as a Variant of Uncertain Significance.

NM_000257.4(MYH7):c.4002del (p.Gln1334fs)

Gene: MYH7 (myosin heavy chain 7; minus strand). Cytogenetic location: 14q11.2.
Variant type: Deletion.
Coding change: c.4002del on transcript NM_000257.4 (MANE Select); coding-DNA position 4002, one base deleted (G; older notation c.4002delG).
Protein change: p.Gln1334fs; shifts the reading frame from glutamine 1334.
Molecular consequence: frameshift variant.
Genome position (GRCh38, 1-based): chr14:23,418,377, C deleted on the plus strand (G on the coding strand, the reverse complement: MYH7 is on the minus strand). VCF-style (leftmost placement, unchanged base first): chr14-23418376-AC-A. GRCh37 (hg19) VCF-style: chr14-23887585-AC-A.
Other names: c.4002del, p.Gln1334fs (NM_001407004.1); short protein forms Q1334fs.
Identifiers: ClinVar variation 2773899 (VCV002773899.2), dbSNP rs2502256911, ClinGen allele CA2697553849.
Genomic context (GRCh38, chr14:23,418,376, plus strand): 5'-CCTTGGCCTCCGTCTCCTCCTCGTACTGCTCCCGCAGCAGGTCGCAGTCATGCCGGGCCG[AC>A]TGCAGTGCGTGGGCCAGGGCGTTCTTCGCCTGGGGAGGGGTGGGCACCAGGAGGTGGGTT-3'